The following is an entry in ClinVar:

NM_001365276.2(TNXB):c.3685G>C (p.Gly1229Arg)

Gene: TNXB (tenascin XB; minus strand). Cytogenetic location: 6p21.33.
Variant type: single nucleotide variant.
Coding change: c.3685G>C on transcript NM_001365276.2 (MANE Select); coding-DNA position 3685, G replaced by C.
Protein change: p.Gly1229Arg; replaces glycine 1229 with arginine.
Molecular consequence: missense variant.
Genome position (GRCh38, 1-based): chr6:32,082,087, C>G on the plus strand (G>C on the coding strand, the complement: TNXB is on the minus strand). VCF-style: chr6-32082087-C-G. GRCh37 (hg19) VCF-style: chr6-32049864-C-G.
Other names: c.4426G>C, p.Gly1476Arg (NM_001428335.1); c.3685G>C, p.Gly1229Arg (NM_019105.8); short protein forms G1229R, G1476R.
Identifiers: ClinVar variation 3459767 (VCV003459767.1).
Genomic context (GRCh38, chr6:32,082,087, plus strand): 5'-GCTACTCACCAGTGGTGCCATCGGCCGTGAGGGGGCCATACCGCTTCTTGTTCGCAATTC[C>G]AAACAGAGTGAATCTGTACTTGTGGTCAGGGTCCAGTGAGGAGACAACAAATGAACGCTC-3'
Protein context (NP_001352205.1, residues 1219-1239): PDHKYRFTLF[Gly1229Arg]IANKKRYGPL

ClinVar aggregate classification (germline): Uncertain significance (1 of 4 stars; one submission).

Conditions:
Cardiovascular phenotype. Identifiers: MedGen CN230736.

gnomAD v4.1: 5 of 1,609,846 alleles (0.00031%); highest among the groups gnomAD compares: Non-Finnish European, 0.00042%; no homozygotes.

Submission:

Ambry Genetics
Classification: Uncertain significance for Cardiovascular phenotype. Last evaluated: 2024-08-03. Review status: criteria provided, single submitter. Criteria: Ambry Variant Classification Scheme 2023. Collection method: clinical testing. Allele origin: germline.
Comment: The p.G1229R variant (also known as c.3685G>C), located in coding exon 8 of the TNXB gene, results from a G to C substitution at nucleotide position 3685. The glycine at codon 1229 is replaced by arginine, an amino acid with dissimilar properties. This amino acid position is conserved. In addition, this alteration is predicted to be tolerated by in silico analysis. Based on the available evidence, the clinical significance of this variant remains unclear.